The following is an entry in ClinVar:

NM_000440.3(PDE6A):c.1046A>T (p.Tyr349Phe)

Gene: PDE6A (phosphodiesterase 6A; minus strand). Cytogenetic location: 5q32.
Variant type: single nucleotide variant.
Coding change: c.1046A>T on transcript NM_000440.3 (MANE Select); coding-DNA position 1046, A replaced by T.
Protein change: p.Tyr349Phe; replaces tyrosine 349 with phenylalanine.
Molecular consequence: missense variant.
Genome position (GRCh38, 1-based): chr5:149,907,331, T>A on the plus strand (A>T on the coding strand, the complement: PDE6A is on the minus strand). VCF-style: chr5-149907331-T-A. GRCh37 (hg19) VCF-style: chr5-149286894-T-A.
Other names: short protein forms Y349F.
Identifiers: ClinVar variation 1013816 (VCV001013816.6), dbSNP rs776115440, ClinGen allele CA3504825.
Genomic context (GRCh38, chr5:149,907,331, plus strand): 5'-CGTGATCCAAAACTCTCCCCCTTCAAAGTTATATTACTTACCAGGCCATTCTGGGCAACA[T>A]AAGCTGGGAGACCGCTTACTAAAGCCCAATGGTCAGGAGGTGGATTCCTGTGAAGGCCAA-3'
Protein context (NP_000431.2, residues 339-359): HWALVSGLPA[Tyr349Phe]VAQNGLICNI

ClinVar aggregate classification (germline): Uncertain significance (1 of 4 stars; one submission).

Allele frequency attached by ClinVar (database versions not stated): ExAC 0.00001; gnomAD 0.00001; gnomAD exomes 0.00001; TOPMed 0.00001.
gnomAD v4.1: 21 of 1,613,822 alleles (0.0013%); highest among the groups gnomAD compares: Non-Finnish European, 0.0017%; no homozygotes.

Submission:

Labcorp Genetics (formerly Invitae), Labcorp
Classification: Uncertain significance. Last evaluated: 2022-08-23. Review status: criteria provided, single submitter. Criteria: Invitae Variant Classification Sherloc (09022015). Collection method: clinical testing. Allele origin: germline.
Comment: This sequence change replaces tyrosine, which is neutral and polar, with phenylalanine, which is neutral and non-polar, at codon 349 of the PDE6A protein (p.Tyr349Phe). This variant is present in population databases (rs776115440, gnomAD 0.003%). This variant has not been reported in the literature in individuals affected with PDE6A-related conditions. ClinVar contains an entry for this variant (Variation ID: 1013816). Algorithms developed to predict the effect of missense changes on protein structure and function are either unavailable or do not agree on the potential impact of this missense change (SIFT: "Tolerated"; PolyPhen-2: "Probably Damaging"; Align-GVGD: "Class C0"). In summary, the available evidence is currently insufficient to determine the role of this variant in disease. Therefore, it has been classified as a Variant of Uncertain Significance.